The following is an entry in ClinVar:

NM_016247.4(IMPG2):c.3262C>T (p.Arg1088Ter)

Gene: IMPG2 (interphotoreceptor matrix proteoglycan 2; minus strand). Cytogenetic location: 3q12.3.
Variant type: single nucleotide variant.
Coding change: c.3262C>T on transcript NM_016247.4 (MANE Select); coding-DNA position 3262, C replaced by T.
Protein change: p.Arg1088Ter; replaces arginine 1088 with a stop codon.
Molecular consequence: nonsense.
Genome position (GRCh38, 1-based): chr3:101,231,117, G>A on the plus strand (C>T on the coding strand, the complement: IMPG2 is on the minus strand). VCF-style: chr3-101231117-G-A. GRCh37 (hg19) VCF-style: chr3-100949961-G-A.
Other names: short protein forms R1088*.
Identifiers: ClinVar variation 143151 (VCV000143151.64), dbSNP rs199867882, ClinGen allele CA270121.

ClinVar aggregate classification (germline): Pathogenic/Likely pathogenic. Review status: criteria provided, multiple submitters, no conflicts (2 of 4 stars). 15 submissions from 15 submitters: Pathogenic (7); Likely pathogenic (3). 5 of the submissions do not count toward it. Last evaluated 2025-12-16.

Conditions:
IMPG2-related disorders.
IMPG2-related disorder. Also called: IMPG2-related condition.
Vitelliform macular dystrophy 5. Identifiers: Orphanet 99000, MedGen C4015343, MONDO:0014509, OMIM 616152.
Retinal dystrophy. Also called: Inherited retinal dystrophy. Identifiers: Orphanet 71862, MedGen C0854723, MeSH D058499, MONDO:0019118, HP:0000556.
Bardet-Biedl syndrome (BBS). Identifiers: Orphanet 110, MedGen C0752166, MONDO:0015229.
Autosomal recessive retinitis pigmentosa. Identifiers: MedGen C0339526.
Retinitis pigmentosa (RP). Identifiers: Orphanet 791, MedGen C0035334, MeSH D012174, MONDO:0019200, OMIM 268000. Inheritance: Autosomal dominant, autosomal recessive and X linked inheritance.

Allele frequency attached by ClinVar (database versions not stated): gnomAD 0.00001 and 0.00002; gnomAD exomes 0.00003 and 0.00004; TOPMed 0.00003; ExAC 0.00006; 1000 Genomes Project 30x 0.00016; 1000 Genomes Project 0.00020.
gnomAD v4.1: 50 of 1,614,004 alleles (0.0031%); highest among the groups gnomAD compares: Middle Eastern, 0.017%; no homozygotes.

Submissions (15):

Labcorp Genetics (formerly Invitae), Labcorp
Classification: Pathogenic. Last evaluated: 2025-12-16. Review status: criteria provided, single submitter. Criteria: Invitae Variant Classification Sherloc (09022015). Collection method: clinical testing. Allele origin: germline.
Comment: This sequence change creates a premature translational stop signal (p.Arg1088*) in the IMPG2 gene. It is expected to result in an absent or disrupted protein product. Loss-of-function variants in IMPG2 are known to be pathogenic (PMID: 20673862). This variant is present in population databases (rs199867882, gnomAD 0.005%). This premature translational stop signal has been observed in individual(s) with retinitis pigmentosa (PMID: 20673862). ClinVar contains an entry for this variant (Variation ID: 143151). Algorithms developed to predict the effect of sequence changes on RNA splicing suggest that this variant may disrupt the consensus splice site. For these reasons, this variant has been classified as Pathogenic.

PreventionGenetics, part of Exact Sciences
Classification: Likely pathogenic for IMPG2-related condition. Last evaluated: 2025-11-11. Review status: criteria provided, single submitter. Criteria: ACMG Guidelines, 2015. Collection method: clinical testing. Allele origin: germline.
Comment: The IMPG2 c.3262C>T variant is predicted to result in premature protein termination (p.Arg1088*). This variant has been reported in the homozygous state in multiple individuals with autosomal recessive retinitis pigmentosa (see for example: Bandah-Rozenfeld et al. 2010. PubMed ID: 20673862; van Huet et al. 2014. PubMed ID: 24876279). This variant is reported in 0.0062% of alleles in individuals of European (Non-Finnish) descent in gnomAD. Nonsense variants in IMPG2 are expected to be pathogenic. This variant is interpreted as likely pathogenic.

Blueprint Genetics
Classification: Pathogenic for IMPG2-related disorders. Last evaluated: 2024-09-05. Review status: criteria provided, single submitter. Criteria: ACMG Guidelines, 2015. Collection method: clinical testing. Allele origin: germline. Affected: yes. Observed: 5 variant alleles.

Institute of Human Genetics, University of Leipzig Medical Center
Classification: Pathogenic for Vitelliform macular dystrophy 5. Last evaluated: 2023-07-11. Review status: criteria provided, single submitter. Criteria: ACMG Guidelines, 2015. Collection method: clinical testing. Allele origin: unknown. Inheritance: Autosomal dominant inheritance. Affected: yes.
Comment: Criteria applied: PVS1,PS4,PM2_SUP

MGZ Medical Genetics Center
Classification: Likely pathogenic for Vitelliform macular dystrophy 5. Last evaluated: 2022-03-07. Review status: criteria provided, single submitter. Criteria: ACMG Guidelines, 2015. Collection method: clinical testing. Allele origin: germline. Affected: yes. Observed: 1 variant allele.
Comment: ACMG criteria applied: PVS1, PM2_SUP

Cambridge Genomics Laboratory, East Genomic Laboratory Hub, NHS Genomic Medicine Service
Classification: Pathogenic for Bardet-Biedl syndrome. Last evaluated: 2020-03-20. Review status: criteria provided, single submitter. Criteria: ACGS Best Practice Guidelines for Variant Classification in Rare Disease 2020. Collection method: clinical testing. Allele origin: germline. Affected: yes. Observed: 1 variant allele.

GeneDx
Classification: Pathogenic. Last evaluated: 2019-11-05. Review status: criteria provided, single submitter. Criteria: GeneDx Variant Classification Process June 2021. Collection method: clinical testing. Allele origin: germline. Affected: yes.
Comment: Nonsense variant predicted to result in protein truncation or nonsense mediated decay in a gene for which loss-of-function is a known mechanism of disease; Not observed at a significant frequency in large population cohorts (Lek et al., 2016); This variant is associated with the following publications: (PMID: 20673862, 31264916, 24876279, 25525159)

Knight Diagnostic Laboratories, Oregon Health and Sciences University
Classification: Pathogenic for Macular dystrophy, vitelliform, 5. Last evaluated: 2018-05-11. Review status: criteria provided, single submitter. Criteria: ACMG Guidelines, 2015. Collection method: clinical testing. Allele origin: germline. Observed: 1 variant allele.

CeGaT Center for Human Genetics Tuebingen
Classification: Likely pathogenic. Last evaluated: 2017-07-01. Review status: criteria provided, single submitter. Criteria: CeGaT Center For Human Genetics Tuebingen Variant Classification Criteria Version 2. Collection method: clinical testing. Allele origin: germline. Affected: yes. Observed: 1 variant allele.

Institute of Human Genetics, Univ. Regensburg, Univ. Regensburg
Classification: Pathogenic for Retinal dystrophy. Last evaluated: 2017-01-01. Review status: criteria provided, single submitter. Criteria: ACMG Guidelines, 2015. Collection method: clinical testing. Allele origin: germline. Affected: yes.

Faculty of Health Sciences, Beirut Arab University
Classification: Pathogenic for Autosomal recessive Retinitis Pigmentosa. Last evaluated: 2019-07-02. Review status: no assertion criteria provided. Collection method: literature only. Allele origin: germline. Affected: yes. Observed: 1 variant allele. Not counted in ClinVar's aggregate classification.

Clinical Genetics DNA and cytogenetics Diagnostics Lab, Erasmus MC, Erasmus Medical Center
Classification: Pathogenic. Review status: no assertion criteria provided. Collection method: clinical testing. Allele origin: germline. Affected: yes. Study: VKGL Data-share Consensus. Not counted in ClinVar's aggregate classification.

Clinical Genetics, Academic Medical Center
Classification: Pathogenic. Review status: no assertion criteria provided. Collection method: clinical testing. Allele origin: germline. Affected: yes. Study: VKGL Data-share Consensus. Not counted in ClinVar's aggregate classification.

Department of Ophthalmology and Visual Sciences Kyoto University
Classification: Pathogenic for Retinitis pigmentosa. Review status: no assertion criteria provided. Collection method: not provided. Allele origin: unknown. Not counted in ClinVar's aggregate classification.
ClinVar note: Converted during submission from pathogenic to Pathogenic.

Joint Genome Diagnostic Labs from Nijmegen and Maastricht, Radboudumc and MUMC+
Classification: Pathogenic. Review status: no assertion criteria provided. Collection method: clinical testing. Allele origin: germline. Affected: yes. Study: VKGL Data-share Consensus. Not counted in ClinVar's aggregate classification.

Literature cited by the submitters: PubMed 20673862 (cited by Labcorp Genetics (formerly Invitae), Labcorp and Institute of Human Genetics, Univ. Regensburg, Univ. Regensburg); PubMed 24876279 (cited by Institute of Human Genetics, Univ. Regensburg, Univ. Regensburg); PubMed 25525159 (cited by Institute of Human Genetics, Univ. Regensburg, Univ. Regensburg); PubMed 31345219 (cited by Institute of Human Genetics, Univ. Regensburg, Univ. Regensburg); PubMed 31725702 (cited by Institute of Human Genetics, Univ. Regensburg, Univ. Regensburg); PubMed 31264916 (cited by Institute of Human Genetics, Univ. Regensburg, Univ. Regensburg and Faculty of Health Sciences, Beirut Arab University); PubMed 31964843 (cited by Institute of Human Genetics, Univ. Regensburg, Univ. Regensburg); PubMed 32531858 (cited by Institute of Human Genetics, Univ. Regensburg, Univ. Regensburg); PubMed 34716235 (cited by Institute of Human Genetics, Univ. Regensburg, Univ. Regensburg); PubMed 36460718 (cited by Institute of Human Genetics, Univ. Regensburg, Univ. Regensburg).